The following is an entry in ClinVar:

ClinVar aggregate classification (germline): Uncertain significance. Review status: criteria provided, multiple submitters, no conflicts (2 of 4 stars). 2 submissions from 2 submitters: Uncertain significance (2). Last evaluated 2024-07-02.

Conditions:
Lymphatic malformation 6 (LMPHM6). Also called: GENERALIZED LYMPHATIC DYSPLASIA OF FOTIOU; Lymphedema, hereditary, III; PIEZO1-related generalized lymphatic dysplasia with non-immune hydrops fetalis. Identifiers: Orphanet 568062, MedGen C4225184, MONDO:0014797, OMIM 616843.

Allele frequency attached by ClinVar (database versions not stated): gnomAD 0.00002; TOPMed 0.00002.
gnomAD v4.1: 10 of 1,551,566 alleles (0.00064%); highest among the groups gnomAD compares: Admixed American, 0.016%; no homozygotes.

Submissions (2):

Clinical Genomics Laboratory, Washington University in St. Louis
Classification: Uncertain significance for Lymphatic malformation 6. Last evaluated: 2024-07-02. Review status: criteria provided, single submitter. Criteria: ACMG Guidelines, 2015. Collection method: clinical testing. Allele origin: germline.
Comment: The PIEZO1 c.6342C>G (p.Phe2114Leu) variant was identified at a heterozygous allelic fraction of 51.6%, a frequency which may be consistent with germline origin. This variant, to our knowledge, has not been reported in the medical literature. The PIEZO1 c.6342C>G (p.Phe2114Leu) variant is only observed on 10/1,551,566 alleles in the general population (gnomAD v.4.1.0), indicating it is not a common variant. This variant has been reported in the ClinVar database as a variant of uncertain significance by one submitter (ClinVar variation ID:2921140). Computational predictors indicate that the variant is damaging, evidence that correlates with impact to PIEZO1 function. Due to limited information and based on ACMG/AMP guidelines for variant interpretation (Richards S et al., PMID: 25741868), the clinical significance of this variant is uncertain at this time.

ARUP Laboratories, Molecular Genetics and Genomics, ARUP Laboratories
Classification: Uncertain significance. Last evaluated: 2023-11-03. Review status: criteria provided, single submitter. Criteria: ARUP Molecular Germline Variant Investigation Process 2024. Collection method: clinical testing. Allele origin: germline.

NM_001142864.4(PIEZO1):c.6342C>G (p.Phe2114Leu)

Gene: PIEZO1 (piezo type mechanosensitive ion channel component 1 (Er blood group); minus strand). Cytogenetic location: 16q24.3.
Variant type: single nucleotide variant.
Coding change: c.6342C>G on transcript NM_001142864.4 (MANE Select); coding-DNA position 6342, C replaced by G.
Protein change: p.Phe2114Leu; replaces phenylalanine 2114 with leucine.
Molecular consequence: missense variant.
Genome position (GRCh38, 1-based): chr16:88,719,703, G>C on the plus strand (C>G on the coding strand, the complement: PIEZO1 is on the minus strand). VCF-style: chr16-88719703-G-C. GRCh37 (hg19) VCF-style: chr16-88786111-G-C.
Other names: c.4884C>G, p.Phe1628Leu (NM_014745.1); short protein forms F1628L, F2114L.
Identifiers: ClinVar variation 2921140 (VCV002921140.2), dbSNP rs1270585351, ClinGen allele CA397083551.
Genomic context (GRCh38, chr16:88,719,703, plus strand): 5'-GGACAGGGACAGCGTGGTGTCCGTCCACACCCAGTCCATCACTGCCCGCAGCTCCACCAG[G>C]AACGGCACCAGCCGGAACCTGCCCACAGCCAGGGTTCCCGTCAGGTGGGCTCCCTCATGC-3'
Protein context (NP_001136336.2, residues 2104-2124): FLFQGFRLVP[Phe2114Leu]LVELRAVMDW